The following is an entry in ClinVar:

NM_001048174.2(MUTYH):c.837G>A (p.Arg279=)

Gene: MUTYH (mutY DNA glycosylase; minus strand). Cytogenetic location: 1p34.1.
Variant type: single nucleotide variant.
Coding change: c.837G>A on transcript NM_001048174.2 (MANE Select); coding-DNA position 837, G replaced by A.
Protein change: p.Arg279=; no amino-acid change (arginine 279 retained).
Molecular consequence: synonymous variant. On other transcripts: non-coding transcript variant (2).
Genome position (GRCh38, 1-based): chr1:45,332,178, C>T on the plus strand (G>A on the coding strand, the complement: MUTYH is on the minus strand). VCF-style: chr1-45332178-C-T. GRCh37 (hg19) VCF-style: chr1-45797850-C-T.
Other names: c.837G>A, p.Arg279= (NM_001048171.2, NM_001048173.2, NM_001293195.2); c.840G>A, p.Arg280= (NM_001048172.2); c.921G>A, p.Arg307= (NM_001128425.2); c.882G>A, p.Arg294= (NM_001293190.2); c.870G>A, p.Arg290= (NM_001293191.2); c.561G>A, p.Arg187= (NM_001293192.2, NM_001293196.2); c.492G>A, p.Arg164= (NM_001350650.2, NM_001350651.2); c.912G>A, p.Arg304= (NM_012222.3).
Identifiers: ClinVar variation 464740 (VCV000464740.17), dbSNP rs1180530486, ClinGen allele CA417879918.

ClinVar aggregate classification (germline): Likely benign. Review status: criteria provided, multiple submitters, no conflicts (2 of 4 stars). 4 submissions from 4 submitters: Likely benign (4). Last evaluated 2025-09-29.

Conditions:
Hereditary cancer-predisposing syndrome. Also called: Neoplastic Syndromes, Hereditary; Tumor predisposition; Hereditary neoplastic syndrome; Hereditary Cancer Syndrome. Identifiers: Orphanet 140162, MedGen C0027672, MeSH D009386, MONDO:0015356.
Familial adenomatous polyposis 2. Also called: COLORECTAL ADENOMATOUS POLYPOSIS, AUTOSOMAL RECESSIVE; ADENOMAS, MULTIPLE COLORECTAL, AUTOSOMAL RECESSIVE; MUTYH-associated polyposis; FAP type 2; MUTYH-related attenuated familial adenomatous polyposis; Adenomas, multiple colorectal. Identifiers: Orphanet 220460, Orphanet 247798, MedGen C3272841, MONDO:0012041, OMIM 608456.

Allele frequency attached by ClinVar (database versions not stated): gnomAD exomes below 0.00001; TOPMed below 0.00001; gnomAD 0.00001.
gnomAD v4.1: 3 of 1,614,088 alleles (0.00019%); highest among the groups gnomAD compares: Non-Finnish European, 0.00025%; no homozygotes.

Submissions (4):

Labcorp Genetics (formerly Invitae), Labcorp
Classification: Likely benign for Familial adenomatous polyposis 2. Last evaluated: 2025-09-29. Review status: criteria provided, single submitter. Criteria: Invitae Variant Classification Sherloc (09022015). Collection method: clinical testing. Allele origin: germline.

All of Us Research Program, National Institutes of Health
Classification: Likely benign for Familial adenomatous polyposis 2. Last evaluated: 2024-08-06. Review status: criteria provided, single submitter. Criteria: ACMG Guidelines, 2015. Collection method: clinical testing. Allele origin: germline. Inheritance: Autosomal recessive inheritance. Observed: 1 variant allele, 1 heterozygote.
Comment: This study involves interpretation of variants in research participants for the purpose of population health screening. Participant phenotype was not available at the time of variant classification. Additional details can be found in publication PMID: 35346344, PMCID: PMC8962531

Color Diagnostics, LLC DBA Color Health
Classification: Likely benign for Hereditary cancer-predisposing syndrome. Last evaluated: 2019-01-22. Review status: criteria provided, single submitter. Criteria: ACMG Guidelines, 2015. Collection method: clinical testing. Allele origin: germline.

Ambry Genetics
Classification: Likely benign for Hereditary cancer-predisposing syndrome. Last evaluated: 2016-08-05. Review status: criteria provided, single submitter. Criteria: Ambry Variant Classification Scheme 2023. Collection method: clinical testing. Allele origin: germline.